The following continues an entry in ClinVar:

NM_000059.4(BRCA2):c.6486_6489del (p.Lys2162fs)

Gene: BRCA2. ClinVar aggregate classification (germline): Pathogenic. Pathogenic (1).

Submissions 25 to 43 of 43:

Department of Pathology and Laboratory Medicine, Sinai Health System
Classification: Pathogenic for Pancreatic cancer, susceptibility to, 2. Last evaluated: 2019-11-12. Review status: criteria provided, single submitter. Criteria: ACMG Guidelines, 2015. Collection method: clinical testing. Allele origin: germline. Affected: yes. Not counted in ClinVar's aggregate classification.

Center for Medical Genomics, Faculty of Medicine, Ramathibodi Hospital, Mahidol University
Classification: Pathogenic for Breast carcinoma. Last evaluated: 2019-04-18. Review status: criteria provided, single submitter. Criteria: ACMG Guidelines, 2015. Collection method: clinical testing. Allele origin: germline. Affected: yes. Not counted in ClinVar's aggregate classification.

ARUP Laboratories, Molecular Genetics and Genomics, ARUP Laboratories
Classification: Pathogenic. Last evaluated: 2019-03-21. Review status: criteria provided, single submitter. Criteria: ARUP Molecular Germline Variant Investigation Process. Collection method: clinical testing. Allele origin: germline. Not counted in ClinVar's aggregate classification.
Comment: The BRCA2 c.6486_6489delACAA; p.Lys2162fs variant (rs80359598) has been reported in individuals affected with breast (de Juan Jimenez 2013), ovarian (Li 2018, Shi 2017), or prostate cancer (Edwards 2003, Edwards 2010). This variant is classified as pathogenic by multiple laboratories in ClinVar (Variation ID: 38048), and it is observed on only two chromosomes (2/232332 alleles) in the Genome Aggregation Database. This variant causes a frameshift by deleting four nucleotides, so it is predicted to result in a truncated protein or mRNA subject to nonsense-mediated decay. Based on available information, this variant is considered to be pathogenic. References: de Juan Jimenez I et al. Novel and recurrent BRCA1/BRCA2 mutations in early onset and familial breast and ovarian cancer detected in the Program of Genetic Counseling in Cancer of Valencian Community (eastern Spain). Relationship of family phenotypes with mutation prevalence. Fam Cancer. 2013; 12(4):767-77. Edwards S et al. Two percent of men with early-onset prostate cancer harbor germline mutations in the BRCA2 gene. Am J Hum Genet. 2003; 72(1):1-12. Edwards S et al. Prostate cancer in BRCA2 germline mutation carriers is associated with poorer prognosis. Br J Cancer. 2010; 103(6):918-24. Li A et al. BRCA germline mutations in an unselected nationwide cohort of Chinese patients with ovarian cancer and healthy controls. Gynecol Oncol. 2018 Oct;151(1):145-152. Shi T et al. BRCA1 and BRCA2 mutations in ovarian cancer patients from China: ethnic-related mutations in BRCA1 associated with an increased risk of ovarian cancer. Int J Cancer. 2017 May 1;140(9):2051-2059.

Laboratory for Molecular Medicine, Mass General Brigham Personalized Medicine
Classification: Pathogenic for Hereditary breast ovarian cancer syndrome. Last evaluated: 2019-03-20. Review status: criteria provided, single submitter. Criteria: ACMG Guidelines, 2015. Collection method: clinical testing. Allele origin: germline. Inheritance: Autosomal dominant inheritance. Not counted in ClinVar's aggregate classification.
Comment: The p.Lys2162AsnfsX5 variant in BRCA2 has been reported in greater than 30 individuals with BRCA2-associated cancer (de Juan Jimenez 2013, Edwards 2003, Edwards 2010, Labidi-Galy 2018, Li 2018, Nielsen 2016, Sun 2017; Breast Information Core database). It has been identified in 1/26026 South Asian and 1/29656 Latino chromosomes by gnomAD. This variant was classified as Pathogenic on April 22, 2016 by the ClinGen-approved ENIGMA expert panel (Variation ID 38048). This variant is predicted to cause a frameshift, which alters the protein’s amino acid sequence beginning at position 2162 and leads to a premature termination codon 5 amino acids downstream. This alteration is then predicted to lead to a truncated or absent protein. Loss of function of the BRCA2 gene is an established disease mechanism in autosomal dominant hereditary breast and ovarian cancer syndrome. In summary, this variant meets criteria to be classified as pathogenic for autosomal dominant hereditary breast and ovarian cancer syndrome. ACMG/AMP Criteria applied: PVS1, PS4, PM2.

Institute of Human Genetics, University of Leipzig Medical Center
Classification: Pathogenic for Breast-ovarian cancer, familial, susceptibility to, 2. Last evaluated: 2018-07-30. Review status: criteria provided, single submitter. Criteria: ACMG Guidelines, 2015. Collection method: clinical testing. Allele origin: germline. Affected: yes. Observed: 1 variant allele. Not counted in ClinVar's aggregate classification.

Women's Health and Genetics/Laboratory Corporation of America, LabCorp
Classification: Pathogenic for Hereditary breast ovarian cancer syndrome. Last evaluated: 2017-08-08. Review status: criteria provided, single submitter. Criteria: LabCorp Variant Classification Summary - May 2015. Collection method: clinical testing. Allele origin: germline. Not counted in ClinVar's aggregate classification.
Comment: Variant summary: The BRCA2 c.6486_6489delACAA (p.Lys2162Asnfs) variant (alternatively also known as 6714del4 and 6710delACAA) results in deletion of 4 nucleotides from exon 11 of the BRCA2 mRNA, causing a frameshift that creates a premature stop codon. This is predicted to cause a truncated or absent (due to nonsense mediated decay) BRCA2 protein, which is a commonly known mechanism for disease. Truncations downstream of this position have been classified as pathogenic by our laboratory (e.g. c.6591_6592delTG (p.Glu2198fs), c.7069_7070delCT (p.Leu2357fs), etc.) This variant was found in the large and broad control populations from ExAC in 2/ 118868 chromosomes at a frequency of 0.0000168, which does not exceed maximal expected frequency of a pathogenic allele (0.0007503). In addition, multiple clinical laboratories/reputable databases have classified this variant as pathogenic. Taken together, this variant was classified as pathogenic.

Cancer Genetics and Genomics Laboratory, British Columbia Cancer Agency
Classification: Pathogenic for Hereditary breast ovarian cancer syndrome. Last evaluated: 2017-04-18. Review status: criteria provided, single submitter. Criteria: ACMG Guidelines, 2015. Collection method: clinical testing. Allele origin: germline. Study: The Canadian Open Genetics Repository (COGR). Not counted in ClinVar's aggregate classification.

Genologica Medica
Classification: Pathogenic for Breast-ovarian cancer, familial, susceptibility to, 2. Last evaluated: 2017-01-01. Review status: criteria provided, single submitter. Criteria: ACMG Guidelines, 2015. Collection method: clinical testing. Allele origin: germline. Affected: yes. Not counted in ClinVar's aggregate classification.

Consortium of Investigators of Modifiers of BRCA1/2 (CIMBA), c/o University of Cambridge
Classification: Pathogenic for Breast-ovarian cancer, familial, susceptibility to, 2. Last evaluated: 2015-10-02. Review status: criteria provided, single submitter. Criteria: CIMBA Mutation Classification guidelines May 2016. Collection method: clinical testing. Allele origin: germline. Not counted in ClinVar's aggregate classification.

Department of Medical Genetics, Oslo University Hospital
Classification: Pathogenic for Breast-ovarian cancer, familial, susceptibility to, 2. Last evaluated: 2015-07-01. Review status: criteria provided, single submitter. Criteria: ACMG Guidelines, 2015. Collection method: clinical testing. Allele origin: germline. Affected: yes. Observed: 2 variant alleles. Not counted in ClinVar's aggregate classification.

Clinical Genetics and Genomics, Karolinska University Hospital
Classification: Pathogenic. Last evaluated: 2015-04-22. Review status: criteria provided, single submitter. Criteria: ACMG Guidelines, 2015. Collection method: clinical testing. Allele origin: germline. Affected: yes. Observed: 6 variant alleles. Not counted in ClinVar's aggregate classification.

Clinical Laboratory Sciences Program (CLSP), King Saud bin Abdulaziz University for Health Sciences (KSAU-HS)
Classification: Pathogenic for Breast-ovarian cancer, familial, susceptibility to, 2. Last evaluated: 2023-04-01. Review status: no assertion criteria provided. Collection method: clinical testing. Allele origin: germline. Affected: yes. Not counted in ClinVar's aggregate classification.

BRCAlab, Lund University
Classification: Pathogenic for Breast-ovarian cancer, familial, susceptibility to, 2. Last evaluated: 2022-08-26. Review status: no assertion criteria provided. Collection method: clinical testing. Allele origin: germline. Affected: yes. Not counted in ClinVar's aggregate classification.

Molecular Oncology, Hospital Universitario Central de Asturias (HUCA)
Classification: Pathogenic for Breast-ovarian cancer, familial, susceptibility to, 2. Last evaluated: 2021-05-24. Review status: no assertion criteria provided. Collection method: case-control. Allele origin: germline. Affected: yes. Not counted in ClinVar's aggregate classification.

CZECANCA consortium
Classification: Pathogenic for Breast and/or ovarian cancer. Last evaluated: 2019-06-11. Review status: no assertion criteria provided. Collection method: clinical testing. Allele origin: germline. Affected: yes. Observed: 1 variant allele. Not counted in ClinVar's aggregate classification.

Counsyl
Classification: Pathogenic for Breast-ovarian cancer, familial, susceptibility to, 2. Last evaluated: 2015-05-21. Review status: no assertion criteria provided. Collection method: clinical testing. Allele origin: unknown. Not counted in ClinVar's aggregate classification.

Research Molecular Genetics Laboratory, Women's College Hospital, University of Toronto
Classification: Pathogenic for Hereditary breast ovarian cancer syndrome. Last evaluated: 2014-01-31. Review status: no assertion criteria provided. Collection method: research. Allele origin: germline. Affected: yes. Study: The Canadian Open Genetics Repository (COGR). Not counted in ClinVar's aggregate classification.

Sharing Clinical Reports Project (SCRP)
Classification: Pathogenic for Breast-ovarian cancer, familial 2. Last evaluated: 2012-06-22. Review status: no assertion criteria provided. Collection method: clinical testing. Allele origin: germline. Not counted in ClinVar's aggregate classification.

Breast Cancer Information Core (BIC) (BRCA2)
Classification: Pathogenic for Breast-ovarian cancer, familial 2. Last evaluated: 2002-05-29. Review status: no assertion criteria provided. Collection method: clinical testing. Allele origin: germline, unknown. Affected: yes. Observed: 22 variant alleles. Not counted in ClinVar's aggregate classification.

Literature cited by the submitters: PubMed 20104584 (cited by 4 submitters); PubMed 19949876 (cited by Labcorp Genetics (formerly Invitae), Labcorp and Department of Pathology and Laboratory Medicine, Sinai Health System); PubMed 20736950 (cited by 4 submitters); PubMed 23479189 (cited by 9 submitters); PubMed 24145998 (cited by 5 submitters); PubMed 24156927 (cited by Labcorp Genetics (formerly Invitae), Labcorp and Department of Pathology and Laboratory Medicine, Sinai Health System); PubMed 25586199 (cited by 4 submitters); PubMed 25896959 (cited by 3 submitters); PubMed 26026974 (cited by 4 submitters); PubMed 26360800 (cited by 9 submitters); PubMed 26681312 (cited by 5 submitters); PubMed 10969800 (cited by 3 submitters); PubMed 10978364 (cited by 3 submitters); PubMed 11389159 (cited by 4 submitters); PubMed 18694767 (cited by 3 submitters); PubMed 25371446 (cited by Color Diagnostics, LLC DBA Color Health and All of Us Research Program, National Institutes of Health); PubMed 25452441 (cited by Color Diagnostics, LLC DBA Color Health and All of Us Research Program, National Institutes of Health); PubMed 28291774 (cited by 4 submitters); PubMed 29084914 (cited by 4 submitters); PubMed 30702160 (cited by 3 submitters); PubMed 31853058 (cited by Color Diagnostics, LLC DBA Color Health); PubMed 32391871 (cited by Color Diagnostics, LLC DBA Color Health and Quest Diagnostics Nichols Institute San Juan Capistrano); PubMed 32862574 (cited by Color Diagnostics, LLC DBA Color Health and Quest Diagnostics Nichols Institute San Juan Capistrano); PubMed 32872764 (cited by Color Diagnostics, LLC DBA Color Health and Quest Diagnostics Nichols Institute San Juan Capistrano); PubMed 33471991 (cited by Color Diagnostics, LLC DBA Color Health and All of Us Research Program, National Institutes of Health); PubMed 34290354 (cited by 3 submitters); PubMed 35864222 (cited by Color Diagnostics, LLC DBA Color Health and Quest Diagnostics Nichols Institute San Juan Capistrano); PubMed 36292577 (cited by Color Diagnostics, LLC DBA Color Health and Quest Diagnostics Nichols Institute San Juan Capistrano); PubMed 10660329 (cited by 5 submitters); PubMed 12474142 (cited by 5 submitters); PubMed 18465347 (cited by 4 submitters); PubMed 30078507 (cited by Ambry Genetics and Laboratory for Molecular Medicine, Mass General Brigham Personalized Medicine); PubMed 30257646 (cited by Ambry Genetics and Quest Diagnostics Nichols Institute San Juan Capistrano); PubMed 31454914 (cited by Ambry Genetics); PubMed 32338768 (cited by Ambry Genetics); PubMed 21847643 (cited by Quest Diagnostics Nichols Institute San Juan Capistrano); PubMed 29339979 (cited by 3 submitters); PubMed 31957001 (cited by Quest Diagnostics Nichols Institute San Juan Capistrano and Sema4); PubMed 33804961 (cited by Quest Diagnostics Nichols Institute San Juan Capistrano); PubMed 26295337 (cited by Quest Diagnostics Nichols Institute San Juan Capistrano); PubMed 28176296 (cited by Sema4); PubMed 32318955 (cited by Sema4); PubMed 29446198 (cited by Sema4); PubMed 28724667 (cited by Laboratory for Molecular Medicine, Mass General Brigham Personalized Medicine); PubMed 38922859 (cited by Molecular Oncology, Hospital Universitario Central de Asturias (HUCA)); PubMed 32295079 (cited by CZECANCA consortium).